The following is an entry in ClinVar:

ClinVar aggregate classification (germline): Likely pathogenic (1 of 4 stars; one submission).

Submission:

GeneDx
Classification: Likely pathogenic. Last evaluated: 2022-03-09. Review status: criteria provided, single submitter. Criteria: GeneDx Variant Classification Process June 2021. Collection method: clinical testing. Allele origin: germline. Affected: yes.
Comment: Has not been previously published as pathogenic or benign to our knowledge; Canonical splice site variant expected to result in aberrant splicing, although in the absence of functional evidence the actual effect of this sequence change is unknown.; Not observed at significant frequency in large population cohorts (gnomAD)

NM_004482.4(GALNT3):c.1779+1G>C

Gene: GALNT3 (polypeptide N-acetylgalactosaminyltransferase 3; minus strand). Cytogenetic location: 2q24.3.
Variant type: single nucleotide variant.
Coding change: c.1779+1G>C on transcript NM_004482.4 (MANE Select); the canonical splice donor site of the intron after coding-DNA position 1779, G replaced by C.
Molecular consequence: splice donor variant.
Genome position (GRCh38, 1-based): chr2:165,749,741, C>G on the plus strand (G>C on the coding strand, the complement: GALNT3 is on the minus strand). VCF-style: chr2-165749741-C-G. GRCh37 (hg19) VCF-style: chr2-166606251-C-G.
Identifiers: ClinVar variation 1343858 (VCV001343858.2), dbSNP rs1217701354, ClinGen allele CA349028044.
Genomic context (GRCh38, chr2:165,749,741, plus strand): 5'-CAGATAAGCAAGTAGAGCTAAGAAAAATAGTTAAATAGATGAATTAATTGCACTGAGGTA[C>G]CTTCTGGATCTCCCATATCTGCTCTCCAGTGACAACTGTCTTGTGACCTTTGTAGGTACA-3'